The following is an entry in ClinVar:

NM_022436.3(ABCG5):c.1916T>C (p.Ile639Thr)

Genes: ABCG5 (ATP binding cassette subfamily G member 5; minus strand), DYNC2LI1 (dynein cytoplasmic 2 light intermediate chain 1; plus strand). Cytogenetic location: 2p21.
Variant type: single nucleotide variant.
Coding change: c.1916T>C on transcript NM_022436.3 (MANE Select); coding-DNA position 1916, T replaced by C.
Protein change: p.Ile639Thr; replaces isoleucine 639 with threonine.
Molecular consequence: missense variant. On other transcripts: intron variant (2).
Genome position (GRCh38, 1-based): chr2:43,813,156, A>G on the plus strand (T>C on the coding strand, the complement: ABCG5 is on the minus strand). VCF-style: chr2-43813156-A-G. GRCh37 (hg19) VCF-style: chr2-44040295-A-G.
Other names: p.Ile639Thr; c.*15+2632A>G (NM_001348913.2, NM_001348912.2); short protein forms I639T.
Identifiers: ClinVar variation 3380799 (VCV003380799.1).
Genomic context (GRCh38, chr2:43,813,156, plus strand): 5'-TTTCCCAGCCATGGCTTTCACTACCTGCTAATGAGATGATCCCTTATTTTGAAAACAACT[A>G]TTCCTAGGATGACAAGAGCTGGAATAAATGAATACAAAATCAGAAAGTTCATTGTGAATC-3'
Protein context (NP_071881.1, residues 629-649): SFIPALVILG[Ile639Thr]VVFKIRDHLI

ClinVar aggregate classification (germline): Uncertain significance (1 of 4 stars; one submission).

gnomAD v4.1: 1 of 1,466,896 alleles (0.000068%); highest among the groups gnomAD compares: Non-Finnish European, 0.000096%; no homozygotes.

Submission:

Mayo Clinic Laboratories, Mayo Clinic
Classification: Uncertain significance. Last evaluated: 2024-05-13. Review status: criteria provided, single submitter. Criteria: ACMG Guidelines, 2015. Collection method: clinical testing. Allele origin: germline. Observed: 1 variant allele.
Comment: BP4, PM1_supporting, PM2_moderate